The following is an entry in ClinVar:

NM_201384.3(PLEC):c.9294C>T (p.Ala3098=)

Gene: PLEC (plectin; minus strand). Cytogenetic location: 8q24.3.
Variant type: single nucleotide variant.
Coding change: c.9294C>T on transcript NM_201384.3 (MANE Select); coding-DNA position 9294, C replaced by T.
Protein change: p.Ala3098=; no amino-acid change (alanine 3098 retained).
Molecular consequence: synonymous variant.
Genome position (GRCh38, 1-based): chr8:143,920,527, G>A on the plus strand (C>T on the coding strand, the complement: PLEC is on the minus strand). VCF-style: chr8-143920527-G-A. GRCh37 (hg19) VCF-style: chr8-144994695-G-A.
Other names: c.9375C>T, p.Ala3125= (NM_000445.5); c.9252C>T, p.Ala3084= (NM_201378.4); c.9228C>T, p.Ala3076= (NM_201379.3); c.9705C>T, p.Ala3235= (NM_201380.4); c.9198C>T, p.Ala3066= (NM_201381.3); c.9294C>T, p.Ala3098= (NM_201382.4); c.9306C>T, p.Ala3102= (NM_201383.3).
Identifiers: ClinVar variation 282582 (VCV000282582.47), dbSNP rs376753842, ClinGen allele CA4925011.
Genomic context (GRCh38, chr8:143,920,527, plus strand): 5'-CTGGAACAGGGAGACGCTCTGCCCTGTGTAGGGGTCCCTGTACCCTGTCACAGCCTTCTC[G>A]GCTGATAGCAGCTTCTCATGAAACTCGGGGCCCACCAGGCCAGCACGCACTGCCTCGTCC-3'
Protein context (NP_958786.1, residues 3088-3108): GPEFHEKLLS[Ala3098=]EKAVTGYRDP

ClinVar aggregate classification (germline): Conflicting classifications of pathogenicity. Review status: criteria provided, conflicting classifications (1 of 4 stars). 7 submissions from 7 submitters: Uncertain significance (2); Likely benign (5). Last evaluated 2026-01-25.

Conditions:
Epidermolysis bullosa simplex, Ogna type (EBS5A). Also called: Pidermolysis bullosa simplex 5A, Ogna type; EPIDERMOLYSIS BULLOSA SIMPLEX 5A, OGNA TYPE. Identifiers: Orphanet 79401, MedGen C0432317, MONDO:0007555, OMIM 131950.
Epidermolysis bullosa simplex with nail dystrophy (EBS5D). Identifiers: MedGen C4225309, MONDO:0014661, OMIM 616487.
Autosomal recessive limb-girdle muscular dystrophy type 2Q (LGMDR17). Also called: MUSCULAR DYSTROPHY, LIMB-GIRDLE, AUTOSOMAL RECESSIVE 17. Identifiers: Orphanet 254361, MedGen C3150989, MONDO:0013390, OMIM 613723.
Epidermolysis bullosa simplex 5C, with pyloric atresia (EBS5C). Also called: Epidermolysis bullosa simplex with pyloric atresia; PLEC1-Related Epidermolysis Bullosa with Pyloric Atresia; PLEC-Related Epidermolysis Bullosa with Pyloric Atresia. Identifiers: Orphanet 158684, MedGen C2677349, MONDO:0012807, OMIM 612138.
Epidermolysis bullosa simplex 5B, with muscular dystrophy (EBS5B). Also called: Epidermolysis bullosa simplex with muscular dystrophy; EPIDERMOLYSIS BULLOSA SIMPLEX AND LIMB-GIRDLE MUSCULAR DYSTROPHY. Identifiers: Orphanet 257, MedGen C2931072, MONDO:0009181, OMIM 226670.
PLEC-related disorder. Also called: PLEC-related disorders; PLEC-related condition.

Allele frequency attached by ClinVar (database versions not stated): gnomAD 0.00013; TOPMed 0.00013; ESP Exome Variant Server 0.00016.
gnomAD v4.1: 199 of 1,611,176 alleles (0.012%); highest among the groups gnomAD compares: Middle Eastern, 0.099%; 1 homozygote.

Submissions (7):

Labcorp Genetics (formerly Invitae), Labcorp
Classification: Likely benign for Autosomal recessive limb-girdle muscular dystrophy type 2Q; Epidermolysis bullosa simplex, Ogna type; Epidermolysis bullosa simplex with nail dystrophy; Epidermolysis bullosa simplex 5C, with pyloric atresia; Epidermolysis bullosa simplex 5B, with muscular dystrophy. Last evaluated: 2026-01-25. Review status: criteria provided, single submitter. Criteria: Invitae Variant Classification Sherloc (09022015). Collection method: clinical testing. Allele origin: germline.

PreventionGenetics, part of Exact Sciences
Classification: Likely benign for PLEC-related condition. Last evaluated: 2025-09-12. Review status: criteria provided, single submitter. Criteria: ACMG Guidelines, 2015. Collection method: clinical testing. Allele origin: germline.
Comment: This variant is classified as likely benign based on ACMG/AMP sequence variant interpretation guidelines (Richards et al. 2015 PMID: 25741868, with internal and published modifications).

Blueprint Genetics
Classification: Likely benign. Last evaluated: 2024-10-28. Review status: criteria provided, single submitter. Criteria: ACMG Guidelines, 2015. Collection method: clinical testing. Allele origin: germline.

CeGaT Center for Human Genetics Tuebingen
Classification: Likely benign. Last evaluated: 2022-03-01. Review status: criteria provided, single submitter. Criteria: CeGaT Center For Human Genetics Tuebingen Variant Classification Criteria Version 2. Collection method: clinical testing. Allele origin: germline. Affected: yes. Observed: 1 variant allele.
Comment: PLEC: BP4, BP7

Revvity Omics, Revvity
Classification: Uncertain significance. Last evaluated: 2020-10-19. Review status: criteria provided, single submitter. Criteria: ACMG Guidelines, 2015. Collection method: clinical testing. Allele origin: germline.

GeneDx
Classification: Likely benign. Last evaluated: 2020-01-30. Review status: criteria provided, single submitter. Criteria: GeneDx Variant Classification Process June 2021. Collection method: clinical testing. Allele origin: germline. Affected: yes.

Eurofins Ntd Llc (ga)
Classification: Uncertain significance. Last evaluated: 2015-08-27. Review status: criteria provided, single submitter. Criteria: EGL Classification Definitions 2015. Collection method: clinical testing. Allele origin: germline. Observed: 2 variant alleles, 2 heterozygotes.